The following is an entry in ClinVar:

NM_001278116.2(L1CAM):c.407C>T (p.Pro136Leu)

Gene: L1CAM (L1 cell adhesion molecule; minus strand). Cytogenetic location: Xq28.
Variant type: single nucleotide variant.
Coding change: c.407C>T on transcript NM_001278116.2 (MANE Select); coding-DNA position 407, C replaced by T.
Protein change: p.Pro136Leu; replaces proline 136 with leucine.
Molecular consequence: missense variant.
Genome position (GRCh38, 1-based): chrX:153,871,173, G>A on the plus strand (C>T on the coding strand, the complement: L1CAM is on the minus strand). VCF-style: chrX-153871173-G-A. GRCh37 (hg19) VCF-style: chrX-153136628-G-A.
Other names: c.407C>T, p.Pro136Leu (NM_000425.5, NM_024003.3); c.392C>T, p.Pro131Leu (NM_001143963.2); short protein forms P131L, P136L.
Identifiers: ClinVar variation 1704906 (VCV001704906.2), dbSNP rs2521026806, ClinGen allele CA415137082.

ClinVar aggregate classification (germline): Uncertain significance (1 of 4 stars; one submission).

Submission:

GeneDx
Classification: Uncertain significance. Last evaluated: 2022-03-08. Review status: criteria provided, single submitter. Criteria: GeneDx Variant Classification Process June 2021. Collection method: clinical testing. Allele origin: germline. Affected: yes.
Comment: Has not been previously published as pathogenic or benign to our knowledge; Not observed at significant frequency in large population cohorts (gnomAD); In silico analysis supports that this missense variant has a deleterious effect on protein structure/function